The following is an entry in ClinVar:

NM_001378477.3(NYX):c.1202C>G (p.Ala401Gly)

Gene: NYX (nyctalopin; plus strand). Cytogenetic location: Xp11.4.
Variant type: single nucleotide variant.
Coding change: c.1202C>G on transcript NM_001378477.3 (MANE Select); coding-DNA position 1202, C replaced by G.
Protein change: p.Ala401Gly; replaces alanine 401 with glycine.
Molecular consequence: missense variant.
Genome position (GRCh38, 1-based): chrX:41,474,670, C>G. VCF-style: chrX-41474670-C-G. GRCh37 (hg19) VCF-style: chrX-41333923-C-G.
Other names: c.1202C>G, p.Ala401Gly (NM_022567.3); short protein forms A406G, A401G.
Identifiers: ClinVar variation 195374 (VCV000195374.17), dbSNP rs34169326, ClinGen allele CA201701.

ClinVar aggregate classification (germline): Benign/Likely benign. Review status: criteria provided, multiple submitters, no conflicts (2 of 4 stars). 4 submissions from 4 submitters: Benign (3); Likely benign (1). Last evaluated 2026-01-26.

Conditions:
Congenital stationary night blindness 1A (CSNB1A). Also called: NYX-Related X-Linked Congenital Stationary Night Blindness; Night blindness, congenital stationary (complete), 1A, X-linked; NIGHT BLINDNESS, CONGENITAL STATIONARY, WITH MYOPIA; CSNB, COMPLETE, X-LINKED; HEMERALOPIA-MYOPIA; MYOPIA-NIGHT BLINDNESS. Identifiers: Orphanet 215, MedGen C3495587, MONDO:0010690, OMIM 310500.

Allele frequency attached by ClinVar (database versions not stated): gnomAD exomes 0.00163; gnomAD 0.00658 and 0.00706; ESP Exome Variant Server 0.00713; TOPMed 0.00755; 1000 Genomes Project 0.00795; 1000 Genomes Project 30x 0.00812.
gnomAD v4.1: 1,426 of 1,196,083 alleles (0.12%); highest among the groups gnomAD compares: African/African-American, 2.3%; 13 homozygotes.

Submissions (4):

Labcorp Genetics (formerly Invitae), Labcorp
Classification: Benign. Last evaluated: 2026-01-26. Review status: criteria provided, single submitter. Criteria: Invitae Variant Classification Sherloc (09022015). Collection method: clinical testing. Allele origin: germline.

Blueprint Genetics
Classification: Likely benign. Last evaluated: 2024-11-27. Review status: criteria provided, single submitter. Criteria: ACMG Guidelines, 2015. Collection method: clinical testing. Allele origin: germline.

Illumina Laboratory Services, Illumina
Classification: Benign for Congenital stationary night blindness 1A. Last evaluated: 2018-01-12. Review status: criteria provided, single submitter. Criteria: ICSL Variant Classification Criteria 13 December 2019. Collection method: clinical testing. Allele origin: germline.
Comment: This variant was observed in the ICSL laboratory as part of a predisposition screen in an ostensibly healthy population. It had not been previously curated by ICSL or reported in the Human Gene Mutation Database (HGMD: prior to June 1st, 2018), and was therefore a candidate for classification through an automated scoring system. Utilizing variant allele frequency, disease prevalence and penetrance estimates, and inheritance mode, an automated score was calculated to assess if this variant is too frequent to cause the disease. Based on the score and internal cut-off values, a variant classified as benign is not then subjected to further curation. The score for this variant resulted in a classification of benign for this disease.

Eurofins Ntd Llc (ga)
Classification: Benign. Last evaluated: 2014-08-20. Review status: criteria provided, single submitter. Criteria: EGL Classification Definitions 2015. Collection method: clinical testing. Allele origin: germline. Observed: 2 variant alleles, 1 heterozygote, 1 hemizygote.